The following is an entry in ClinVar:

NM_152564.5(VPS13B):c.2137C>T (p.His713Tyr)

Gene: VPS13B (vacuolar protein sorting 13 homolog B; plus strand). Cytogenetic location: 8q22.2.
Variant type: single nucleotide variant.
Coding change: c.2137C>T on transcript NM_152564.5 (MANE Select); coding-DNA position 2137, C replaced by T.
Protein change: p.His713Tyr; replaces histidine 713 with tyrosine.
Molecular consequence: missense variant.
Genome position (GRCh38, 1-based): chr8:99,156,672, C>T. VCF-style: chr8-99156672-C-T. GRCh37 (hg19) VCF-style: chr8-100168900-C-T.
Other names: c.2137C>T, p.His713Tyr (NM_015243.3, NM_017890.5); c.2137C>T (NM_152564.4, NM_017890.3); short protein forms H713Y.
Identifiers: ClinVar variation 999505 (VCV000999505.11), dbSNP rs796181999, ClinGen allele CA182902518.
Genomic context (GRCh38, chr8:99,156,672, plus strand): 5'-ATATTGGTGGATAAAATTAATCTGGAACATTCAGTGCCAATGTATGCTGAACAGTTGGTG[C>T]ATGTGGTCAGCAGCCTTACTCAACCTTCTGATAACCTGCTTCATTATTGTTATGTACACT-3'
Protein context (NP_689777.3, residues 703-723): SVPMYAEQLV[His713Tyr]VVSSLTQPSD

ClinVar aggregate classification (germline): Uncertain significance. Review status: criteria provided, multiple submitters, no conflicts (2 of 4 stars). 4 submissions from 4 submitters: Uncertain significance (3). 1 of the submissions does not count toward it. Last evaluated 2025-11-25.

Conditions:
Cohen syndrome (COH1). Also called: PEPPER SYNDROME; Cutis verticis gyrata, retinitis pigmentosa, and sensorineural deafness. Identifiers: Orphanet 193, MedGen C0265223, MONDO:0008999, OMIM 216550.
VPS13B-related disorder. Also called: VPS13B-related condition.
Inborn genetic diseases. Identifiers: MedGen C0950123, MeSH D030342.

Allele frequency attached by ClinVar (database versions not stated): gnomAD exomes below 0.00001; TOPMed 0.00002; gnomAD 0.00004 and 0.00006.
gnomAD v4.1: 12 of 1,614,064 alleles (0.00074%); highest among the groups gnomAD compares: African/African-American, 0.015%; 1 homozygote.

Submissions (4):

Labcorp Genetics (formerly Invitae), Labcorp
Classification: Uncertain significance for Cohen syndrome. Last evaluated: 2025-11-25. Review status: criteria provided, single submitter. Criteria: Invitae Variant Classification Sherloc (09022015). Collection method: clinical testing. Allele origin: germline.
Comment: This sequence change replaces histidine, which is basic and polar, with tyrosine, which is neutral and polar, at codon 713 of the VPS13B protein (p.His713Tyr). This variant is not present in population databases (gnomAD no frequency). This variant has not been reported in the literature in individuals affected with VPS13B-related conditions. ClinVar contains an entry for this variant (Variation ID: 999505). Invitae Evidence Modeling of protein sequence and biophysical properties (such as structural, functional, and spatial information, amino acid conservation, physicochemical variation, residue mobility, and thermodynamic stability) indicates that this missense variant is not expected to disrupt VPS13B protein function with a negative predictive value of 80%. In summary, the available evidence is currently insufficient to determine the role of this variant in disease. Therefore, it has been classified as a Variant of Uncertain Significance.

PreventionGenetics, part of Exact Sciences
Classification: Uncertain significance for VPS13B-related condition. Last evaluated: 2025-09-18. Review status: criteria provided, single submitter. Criteria: ACMG Guidelines, 2015. Collection method: clinical testing. Allele origin: germline.
Comment: The VPS13B c.2137C>T variant is predicted to result in the amino acid substitution p.His713Tyr. To our knowledge, this variant has not been reported in the literature or in a large population database (gnomAD), indicating this variant is rare. At this time, the clinical significance of this variant is uncertain due to the absence of conclusive functional and genetic evidence.

Ambry Genetics
Classification: Uncertain significance for Inborn genetic diseases. Last evaluated: 2024-11-07. Review status: criteria provided, single submitter. Criteria: Ambry Variant Classification Scheme 2023. Collection method: clinical testing. Allele origin: germline.

Natera, Inc.
Classification: Uncertain significance for Cohen syndrome. Last evaluated: 2021-03-13. Review status: no assertion criteria provided. Collection method: clinical testing. Allele origin: germline. Not counted in ClinVar's aggregate classification.